The following is an entry in ClinVar:

NM_001909.5(CTSD):c.1174C>T (p.Arg392Cys)

Gene: CTSD (cathepsin D; minus strand). Cytogenetic location: 11p15.5.
Variant type: single nucleotide variant.
Coding change: c.1174C>T on transcript NM_001909.5 (MANE Select); coding-DNA position 1174, C replaced by T.
Protein change: p.Arg392Cys; replaces arginine 392 with cysteine.
Molecular consequence: missense variant.
Genome position (GRCh38, 1-based): chr11:1,753,568, G>A on the plus strand (C>T on the coding strand, the complement: CTSD is on the minus strand). VCF-style: chr11-1753568-G-A. GRCh37 (hg19) VCF-style: chr11-1774798-G-A.
Other names: short protein forms R392C.
Identifiers: ClinVar variation 2148385 (VCV002148385.2), dbSNP rs377696355, ClinGen allele CA5813879.
Genomic context (GRCh38, chr11:1,753,568, plus strand): 5'-GGCGGGCAGCCTCGGCGAAGCCCACCCTGTTGTTGTCACGGTCAAACACAGTGTAGTAGC[G>A]GCCGATGAAGACGTCGCCCAGGATCCAGAGTGGCCCGCTGGGTGGCGGGATGTCCATGCC-3'
Protein context (NP_001900.1, residues 382-402): LWILGDVFIG[Arg392Cys]YYTVFDRDNN

ClinVar aggregate classification (germline): Uncertain significance (1 of 4 stars; one submission).

Conditions:
Neuronal ceroid lipofuscinosis. Also called: Neuronal Ceroid Lipofuscinoses. Identifiers: Orphanet 216, Orphanet 79263, MedGen C0027877, MONDO:0016295. Disease mechanism: loss of function.

Allele frequency attached by ClinVar (database versions not stated): gnomAD 0.00001; TOPMed 0.00002; ExAC 0.00003; gnomAD exomes 0.00003; ESP Exome Variant Server 0.00008.

Submission:

Labcorp Genetics (formerly Invitae), Labcorp
Classification: Uncertain significance for Neuronal ceroid lipofuscinosis. Last evaluated: 2023-12-18. Review status: criteria provided, single submitter. Criteria: Invitae Variant Classification Sherloc (09022015). Collection method: clinical testing. Allele origin: germline.
Comment: This sequence change replaces arginine, which is basic and polar, with cysteine, which is neutral and slightly polar, at codon 392 of the CTSD protein (p.Arg392Cys). This variant is present in population databases (rs377696355, gnomAD 0.02%). This variant has not been reported in the literature in individuals affected with CTSD-related conditions. ClinVar contains an entry for this variant (Variation ID: 2148385). Advanced modeling of protein sequence and biophysical properties (such as structural, functional, and spatial information, amino acid conservation, physicochemical variation, residue mobility, and thermodynamic stability) performed at Invitae indicates that this missense variant is not expected to disrupt CTSD protein function with a negative predictive value of 80%. In summary, the available evidence is currently insufficient to determine the role of this variant in disease. Therefore, it has been classified as a Variant of Uncertain Significance.